The following is an entry in ClinVar:

ClinVar aggregate classification (germline): Uncertain significance (1 of 4 stars; one submission).

Conditions:
Dilated cardiomyopathy 1R (CMD1R). Identifiers: Orphanet 154, Orphanet 54260, MedGen C3150681, MONDO:0013261, OMIM 613424.
Atrial septal defect 5 (ASD5). Identifiers: Orphanet 1478, MedGen C2748552, MONDO:0013011, OMIM 612794.
Hypertrophic cardiomyopathy 11. Also called: ACTC1-Related Familial Hypertrophic Cardiomyopathy. Identifiers: MedGen C2677506, MONDO:0012799, OMIM 612098.

Submission:

Labcorp Genetics (formerly Invitae), Labcorp
Classification: Uncertain significance for Dilated cardiomyopathy 1R; Hypertrophic cardiomyopathy 11; Atrial septal defect 5. Last evaluated: 2025-10-15. Review status: criteria provided, single submitter. Criteria: Invitae Variant Classification Sherloc (09022015). Collection method: clinical testing. Allele origin: germline.
Comment: This sequence change replaces isoleucine, which is neutral and non-polar, with valine, which is neutral and non-polar, at codon 250 of the ACTC1 protein (p.Ile250Val). This variant is not present in population databases (gnomAD no frequency). This variant has not been reported in the literature in individuals affected with ACTC1-related conditions. Invitae Evidence Modeling of protein sequence and biophysical properties (such as structural, functional, and spatial information, amino acid conservation, physicochemical variation, residue mobility, and thermodynamic stability) indicates that this missense variant is not expected to disrupt ACTC1 protein function with a negative predictive value of 80%. In summary, the available evidence is currently insufficient to determine the role of this variant in disease. Therefore, it has been classified as a Variant of Uncertain Significance.

NM_005159.5(ACTC1):c.748A>G (p.Ile250Val)

Genes: ACTC1 (actin alpha cardiac muscle 1; minus strand), GJD2-DT (GJD2 divergent transcript; plus strand). Cytogenetic location: 15q14.
Variant type: single nucleotide variant.
Coding change: c.748A>G on transcript NM_005159.5 (MANE Select); coding-DNA position 748, A replaced by G.
Protein change: p.Ile250Val; replaces isoleucine 250 with valine.
Molecular consequence: missense variant.
Genome position (GRCh38, 1-based): chr15:34,792,150, T>C on the plus strand (A>G on the coding strand, the complement: ACTC1 is on the minus strand). VCF-style: chr15-34792150-T-C. GRCh37 (hg19) VCF-style: chr15-35084351-T-C.
Other names: c.748A>G, p.Ile250Val (NM_001406482.1, NM_001406483.1); c.613A>G, p.Ile205Val (NM_001406484.1); c.307A>G, p.Ile103Val (NM_001406485.1); short protein forms I103V, I250V, I205V.
Identifiers: ClinVar variation 4782952 (VCV004782952.1).